The following is an entry in ClinVar:

NM_000133.4(F9):c.38del (p.Gly13fs)

Gene: F9 (coagulation factor IX; plus strand). Cytogenetic location: Xq27.1.
Variant type: Deletion.
Coding change: c.38del on transcript NM_000133.4 (MANE Select); coding-DNA position 38, one base deleted (G; older notation c.38delG).
Protein change: p.Gly13fs; shifts the reading frame from glycine 13.
Molecular consequence: frameshift variant.
Genome position (GRCh38, 1-based): chrX:139,530,802, G deleted; the last of 2 consecutive G bases (chrX:139,530,801-139,530,802); deleting either gives the same sequence. VCF-style (leftmost placement, unchanged base first): chrX-139530800-AG-A. GRCh37 (hg19) VCF-style: chrX-138612959-AG-A.
Other names: c.38del, p.Gly13fs (NM_001313913.2); short protein forms G13fs.
Identifiers: ClinVar variation 812024 (VCV000812024.8), dbSNP rs1603263376, ClinGen allele CA915952339.

ClinVar aggregate classification (germline): Pathogenic (1 of 4 stars; one submission).

Submission:

ARUP Laboratories, Molecular Genetics and Genomics, ARUP Laboratories
Classification: Pathogenic. Last evaluated: 2019-05-06. Review status: criteria provided, single submitter. Criteria: ARUP Molecular Germline Variant Investigation Process. Collection method: clinical testing. Allele origin: germline.
Comment: The F9 c.38delG; p.Gly13fs variant, to our knowledge, is not described in the medical literature or in gene-specific databases. It is also absent from general population databases (Exome Variant Server and Genome Aggregation Database), indicating it is not a common polymorphism. This variant causes a frameshift by deleting a single nucleotide, so it is predicted to result in a truncated protein or mRNA subject to nonsense-mediated decay. Additionally, several downstream truncating variants have been described in individuals affected with hemophilia B and are considered pathogenic (see link to F9 database and references therein). Based on available information, the p.Gly13fs variant is considered pathogenic. REFERENCES Link to F9 database